The following is an entry in ClinVar:

NM_003054.6(SLC18A2):c.1248C>T (p.Ser416=)

Gene: SLC18A2 (solute carrier family 18 member A2; plus strand). Cytogenetic location: 10q25.3.
Variant type: single nucleotide variant.
Coding change: c.1248C>T on transcript NM_003054.6 (MANE Select); coding-DNA position 1248, C replaced by T.
Protein change: p.Ser416=; no amino-acid change (serine 416 retained).
Molecular consequence: synonymous variant.
Genome position (GRCh38, 1-based): chr10:117,270,132, C>T. VCF-style: chr10-117270132-C-T. GRCh37 (hg19) VCF-style: chr10-119029643-C-T.
Other names: p.Ser416=.
Identifiers: ClinVar variation 799133 (VCV000799133.8), dbSNP rs140884646, ClinGen allele CA5710616.

ClinVar aggregate classification (germline): Likely benign. Review status: criteria provided, multiple submitters, no conflicts (2 of 4 stars). 2 submissions from 2 submitters: Likely benign (2). Last evaluated 2025-10-02.

Allele frequency attached by ClinVar (database versions not stated): TOPMed 0.00009; ExAC 0.00014; ESP Exome Variant Server 0.00023.
gnomAD v4.1: 241 of 1,614,058 alleles (0.015%); highest among the groups gnomAD compares: Non-Finnish European, 0.016%; no homozygotes.

Submissions (2):

Labcorp Genetics (formerly Invitae), Labcorp
Classification: Likely benign. Last evaluated: 2025-10-02. Review status: criteria provided, single submitter. Criteria: Invitae Variant Classification Sherloc (09022015). Collection method: clinical testing. Allele origin: germline.

Mayo Clinic Laboratories, Mayo Clinic
Classification: Likely benign. Last evaluated: 2025-09-04. Review status: criteria provided, single submitter. Criteria: ACMG Guidelines, 2015. Collection method: clinical testing. Allele origin: germline. Observed: 1 variant allele.
Comment: BP4, BP7